The following is an entry in ClinVar:

ClinVar aggregate classification (germline): Uncertain significance. Review status: criteria provided, multiple submitters, no conflicts (2 of 4 stars). 2 submissions from 2 submitters: Uncertain significance (2). Last evaluated 2023-07-05.

Conditions:
Inborn genetic diseases. Identifiers: MedGen C0950123, MeSH D030342.

Allele frequency attached by ClinVar (database versions not stated): ExAC 0.00001; gnomAD exomes 0.00001 and 0.00005; gnomAD 0.00002; TOPMed 0.00002.
gnomAD v4.1: 70 of 1,613,868 alleles (0.0043%); highest among the groups gnomAD compares: Non-Finnish European, 0.0057%; no homozygotes.

Submissions (2):

Ambry Genetics
Classification: Uncertain significance for Inborn genetic diseases. Last evaluated: 2023-07-05. Review status: criteria provided, single submitter. Criteria: Ambry Variant Classification Scheme 2023. Collection method: clinical testing. Allele origin: germline.

GeneDx
Classification: Uncertain significance. Last evaluated: 2022-11-21. Review status: criteria provided, single submitter. Criteria: GeneDx Variant Classification Process June 2021. Collection method: clinical testing. Allele origin: germline. Affected: yes.
Comment: In silico analysis, which includes protein predictors and evolutionary conservation, supports a deleterious effect; Has not been previously published as pathogenic or benign to our knowledge

NM_001346754.2(PIGW):c.230C>T (p.Ser77Leu)

Genes: MYO19 (myosin XIX; minus strand), PIGW (phosphatidylinositol glycan anchor biosynthesis class W; plus strand). Cytogenetic location: 17q12.
Variant type: single nucleotide variant.
Coding change: c.230C>T on transcript NM_001346754.2 (MANE Select); coding-DNA position 230, C replaced by T.
Protein change: p.Ser77Leu; replaces serine 77 with leucine.
Molecular consequence: missense variant.
Genome position (GRCh38, 1-based): chr17:36,537,331, C>T. VCF-style: chr17-36537331-C-T. GRCh37 (hg19) VCF-style: chr17-34893180-C-T.
Other names: c.230C>T, p.Ser77Leu (NM_001346755.2, NM_178517.5); short protein forms S77L.
Identifiers: ClinVar variation 426690 (VCV000426690.6), dbSNP rs762681049, ClinGen allele CA290115795.